The following is an entry in ClinVar:

NM_177402.5(SYT2):c.992A>C (p.Lys331Thr)

Gene: SYT2 (synaptotagmin 2; minus strand). Cytogenetic location: 1q32.1.
Variant type: single nucleotide variant.
Coding change: c.992A>C on transcript NM_177402.5 (MANE Select); coding-DNA position 992, A replaced by C.
Protein change: p.Lys331Thr; replaces lysine 331 with threonine.
Molecular consequence: missense variant.
Genome position (GRCh38, 1-based): chr1:202,599,279, T>G on the plus strand (A>C on the coding strand, the complement: SYT2 is on the minus strand). VCF-style: chr1-202599279-T-G. GRCh37 (hg19) VCF-style: chr1-202568407-T-G.
Other names: c.992A>C, p.Lys331Thr (NM_001136504.1); short protein forms K331T.
Identifiers: ClinVar variation 3452207 (VCV003452207.3).
Genomic context (GRCh38, chr1:202,599,279, plus strand): 5'-TGAATCTGCTCGAAGGGGATCTCAAAGCTGAAGGACTCGTTGAAGTATGGGTTCAGGGTC[T>G]TCTTCTTCACGGTTGTCTTCTTCTTCTTGAGCCTCTTGCCATTCTGCATCAGGTGGATCT-3'
Protein context (NP_796376.2, residues 321-341): LKKKKTTVKK[Lys331Thr]TLNPYFNESF

ClinVar aggregate classification (germline): Uncertain significance. Review status: criteria provided, multiple submitters, no conflicts (2 of 4 stars). 2 submissions from 2 submitters: Uncertain significance (2). Last evaluated 2024-12-31.

Conditions:
Inborn genetic diseases. Identifiers: MedGen C0950123, MeSH D030342.

gnomAD v4.1: 7 of 1,610,672 alleles (0.00043%); highest among the groups gnomAD compares: Admixed American, 0.0017%; no homozygotes.

Submissions (2):

Labcorp Genetics (formerly Invitae), Labcorp
Classification: Uncertain significance. Last evaluated: 2024-12-31. Review status: criteria provided, single submitter. Criteria: Invitae Variant Classification Sherloc (09022015). Collection method: clinical testing. Allele origin: germline.
Comment: This sequence change replaces lysine, which is basic and polar, with threonine, which is neutral and polar, at codon 331 of the SYT2 protein (p.Lys331Thr). This variant is not present in population databases (gnomAD no frequency). This variant has not been reported in the literature in individuals affected with SYT2-related conditions. Invitae Evidence Modeling of protein sequence and biophysical properties (such as structural, functional, and spatial information, amino acid conservation, physicochemical variation, residue mobility, and thermodynamic stability) indicates that this missense variant is not expected to disrupt SYT2 protein function with a negative predictive value of 80%. In summary, the available evidence is currently insufficient to determine the role of this variant in disease. Therefore, it has been classified as a Variant of Uncertain Significance.

Ambry Genetics
Classification: Uncertain significance for Inborn genetic diseases. Last evaluated: 2024-10-03. Review status: criteria provided, single submitter. Criteria: Ambry Variant Classification Scheme 2023. Collection method: clinical testing. Allele origin: germline.